The following is an entry in ClinVar:

ClinVar aggregate classification (germline): Likely pathogenic (1 of 4 stars; one submission).

Conditions:
TRIOBP-related disorder. Also called: TRIOBP-related condition.

Submission:

PreventionGenetics, part of Exact Sciences
Classification: Likely pathogenic for TRIOBP-related condition. Last evaluated: 2023-07-26. Review status: criteria provided, single submitter. Criteria: ACMG Guidelines, 2015. Collection method: clinical testing. Allele origin: germline.
Comment: The TRIOBP c.1236dupT variant is predicted to result in premature protein termination (p.Glu413*). To our knowledge, this variant has not been reported in the literature or in a large population database, indicating this variant is rare. Nonsense variants in TRIOBP are expected to be pathogenic. This variant is interpreted as likely pathogenic.

NM_001039141.3(TRIOBP):c.6324+203dup

Gene: TRIOBP (TRIO and F-actin binding protein; plus strand). Cytogenetic location: 22q13.1.
Variant type: Duplication.
Coding change: c.6324+203dup on transcript NM_001039141.3 (MANE Select); 203 bases into the intron after coding-DNA position 6324, one base duplicated (T; older notation c.6324+203dupT).
Molecular consequence: intron variant. On other transcripts: nonsense (2).
Genome position (GRCh38, 1-based): chr22:37,759,467, T duplicated. VCF-style (leftmost placement, unchanged base first): chr22-37759466-C-CT. GRCh37 (hg19) VCF-style: chr22-38155473-C-CT.
Other names: c.1236dup, p.Glu413Ter (NM_138632.2); c.1185+203dup (NM_007032.5); c.1236dupT (NM_138632.2); short protein forms E413*.
Identifiers: ClinVar variation 2631761 (VCV002631761.1), dbSNP rs2518225761, ClinGen allele CA2656577545.